The following is an entry in ClinVar:

ClinVar aggregate classification (germline): Conflicting classifications of pathogenicity. Review status: criteria provided, conflicting classifications (1 of 4 stars). 2 submissions from 2 submitters: Uncertain significance (1); Likely benign (1). Last evaluated 2025-12-17.

Allele frequency attached by ClinVar (database versions not stated): gnomAD exomes 0.00041; 1000 Genomes Project 0.00120; 1000 Genomes Project 30x 0.00141; ExAC 0.00225.
gnomAD v4.1: 211 of 1,308,880 alleles (0.016%); highest among the groups gnomAD compares: South Asian, 0.44%; 2 homozygotes.

Submissions (2):

Labcorp Genetics (formerly Invitae), Labcorp
Classification: Likely benign. Last evaluated: 2025-12-17. Review status: criteria provided, single submitter. Criteria: Invitae Variant Classification Sherloc (09022015). Collection method: clinical testing. Allele origin: germline.

GeneDx
Classification: Uncertain significance. Last evaluated: 2024-09-13. Review status: criteria provided, single submitter. Criteria: GeneDx Variant Classification Process June 2021. Collection method: clinical testing. Allele origin: germline. Affected: yes.
Comment: In silico analysis indicates that this missense variant does not alter protein structure/function; Has not been previously published as pathogenic or benign to our knowledge

NM_020312.4(COQ9):c.26C>T (p.Ala9Val)

Genes: COQ9 (coenzyme Q9; plus strand), LOC112469007 (Sharpr-MPRA regulatory region 5957; plus strand). Cytogenetic location: 16q21.
Variant type: single nucleotide variant.
Coding change: c.26C>T on transcript NM_020312.4 (MANE Select); coding-DNA position 26, C replaced by T.
Protein change: p.Ala9Val; replaces alanine 9 with valine.
Molecular consequence: missense variant.
Genome position (GRCh38, 1-based): chr16:57,447,531, C>T. VCF-style: chr16-57447531-C-T. GRCh37 (hg19) VCF-style: chr16-57481443-C-T.
Other names: short protein forms A9V.
Identifiers: ClinVar variation 391794 (VCV000391794.10), dbSNP rs536567108, ClinGen allele CA8076054.